The following is an entry in ClinVar:

NM_005219.5(DIAPH1):c.372G>A (p.Met124Ile)

Gene: DIAPH1 (diaphanous related formin 1; minus strand). Cytogenetic location: 5q31.3.
Variant type: single nucleotide variant.
Coding change: c.372G>A on transcript NM_005219.5 (MANE Select); coding-DNA position 372, G replaced by A.
Protein change: p.Met124Ile; replaces methionine 124 with isoleucine.
Molecular consequence: missense variant.
Genome position (GRCh38, 1-based): chr5:141,584,154, C>T on the plus strand (G>A on the coding strand, the complement: DIAPH1 is on the minus strand). VCF-style: chr5-141584154-C-T. GRCh37 (hg19) VCF-style: chr5-140963721-C-T.
Other names: c.345G>A, p.Met115Ile (NM_001079812.3); c.372G>A, p.Met124Ile (NM_001314007.2); short protein forms M115I, M124I.
Identifiers: ClinVar variation 4785057 (VCV004785057.1).

ClinVar aggregate classification (germline): Uncertain significance (1 of 4 stars; one submission).

Conditions:
Progressive microcephaly-seizures-cortical blindness-developmental delay syndrome. Also called: Seizures, cortical blindness, and microcephaly syndrome. Identifiers: Orphanet 477814, MedGen C5567650, MONDO:0014714, OMIM 616632.
Autosomal dominant nonsyndromic hearing loss 1. Also called: DEAFNESS, AUTOSOMAL DOMINANT 1, WITH OR WITHOUT THROMBOCYTOPENIA; KONIGSMARK SYNDROME. Identifiers: Orphanet 90635, MedGen C1852282, MONDO:0007424, OMIM 124900.

Submission:

Labcorp Genetics (formerly Invitae), Labcorp
Classification: Uncertain significance for Progressive microcephaly-seizures-cortical blindness-developmental delay syndrome; Autosomal dominant nonsyndromic hearing loss 1. Last evaluated: 2025-05-18. Review status: criteria provided, single submitter. Criteria: Invitae Variant Classification Sherloc (09022015). Collection method: clinical testing. Allele origin: germline.
Comment: This sequence change replaces methionine, which is neutral and non-polar, with isoleucine, which is neutral and non-polar, at codon 124 of the DIAPH1 protein (p.Met124Ile). This variant is not present in population databases (gnomAD no frequency). This variant has not been reported in the literature in individuals affected with DIAPH1-related conditions. Experimental studies and prediction algorithms are not available or were not evaluated, and the functional significance of this variant is currently unknown. In summary, the available evidence is currently insufficient to determine the role of this variant in disease. Therefore, it has been classified as a Variant of Uncertain Significance.